The following is an entry in ClinVar:

ClinVar aggregate classification (germline): Uncertain significance. Review status: criteria provided, multiple submitters, no conflicts (2 of 4 stars). 2 submissions from 2 submitters: Uncertain significance (2). Last evaluated 2025-02-02.

Conditions:
Fanconi anemia (FA). Also called: Fanconi's anemia. Identifiers: Orphanet 84, MedGen C0015625, MeSH D005199, MONDO:0019391.
Inborn genetic diseases. Identifiers: MedGen C0950123, MeSH D030342.

Allele frequency attached by ClinVar (database versions not stated): gnomAD exomes below 0.00001; TOPMed 0.00001.
gnomAD v4.1: 2 of 1,613,312 alleles (0.00012%); highest among the groups gnomAD compares: Non-Finnish European, 0.00017%; no homozygotes.

Submissions (2):

Labcorp Genetics (formerly Invitae), Labcorp
Classification: Uncertain significance for Fanconi anemia. Last evaluated: 2025-02-02. Review status: criteria provided, single submitter. Criteria: Invitae Variant Classification Sherloc (09022015). Collection method: clinical testing. Allele origin: germline.
Comment: This sequence change replaces glutamic acid, which is acidic and polar, with valine, which is neutral and non-polar, at codon 1050 of the FANCM protein (p.Glu1050Val). This variant is not present in population databases (gnomAD no frequency). This variant has not been reported in the literature in individuals affected with FANCM-related conditions. ClinVar contains an entry for this variant (Variation ID: 2249660). An algorithm developed to predict the effect of missense changes on protein structure and function (PolyPhen-2) suggests that this variant is likely to be tolerated. In summary, the available evidence is currently insufficient to determine the role of this variant in disease. Therefore, it has been classified as a Variant of Uncertain Significance.

Ambry Genetics
Classification: Uncertain significance for Inborn genetic diseases. Last evaluated: 2024-12-21. Review status: criteria provided, single submitter. Criteria: Ambry Variant Classification Scheme 2023. Collection method: clinical testing. Allele origin: germline.
Comment: The p.E1050V variant (also known as c.3149A>T), located in coding exon 14 of the FANCM gene, results from an A to T substitution at nucleotide position 3149. The glutamic acid at codon 1050 is replaced by valine, an amino acid with dissimilar properties. This amino acid position is conserved. In addition, this alteration is predicted to be tolerated by in silico analysis. Based on the available evidence, the clinical significance of this variant remains unclear.

NM_020937.4(FANCM):c.3149A>T (p.Glu1050Val)

Gene: FANCM (FA complementation group M; plus strand). Cytogenetic location: 14q21.2.
Variant type: single nucleotide variant.
Coding change: c.3149A>T on transcript NM_020937.4 (MANE Select); coding-DNA position 3149, A replaced by T.
Protein change: p.Glu1050Val; replaces glutamic acid 1050 with valine.
Molecular consequence: missense variant.
Genome position (GRCh38, 1-based): chr14:45,175,903, A>T. VCF-style: chr14-45175903-A-T. GRCh37 (hg19) VCF-style: chr14-45645106-A-T.
Other names: c.3071A>T, p.Glu1024Val (NM_001308133.2); short protein forms E1024V, E1050V.
Identifiers: ClinVar variation 2249660 (VCV002249660.6), dbSNP rs1354136964, ClinGen allele CA389599979.